The following is an entry in ClinVar:

NM_001001557.4(GDF6):c.184C>T (p.Arg62Trp)

Gene: GDF6 (growth differentiation factor 6; minus strand). Cytogenetic location: 8q22.1.
Variant type: single nucleotide variant.
Coding change: c.184C>T on transcript NM_001001557.4 (MANE Select); coding-DNA position 184, C replaced by T.
Protein change: p.Arg62Trp; replaces arginine 62 with tryptophan.
Molecular consequence: missense variant.
Genome position (GRCh38, 1-based): chr8:96,160,509, G>A on the plus strand (C>T on the coding strand, the complement: GDF6 is on the minus strand). VCF-style: chr8-96160509-G-A. GRCh37 (hg19) VCF-style: chr8-97172737-G-A.
Other names: short protein forms R62W.
Identifiers: ClinVar variation 2118859 (VCV002118859.4), dbSNP rs2487849569, ClinGen allele CA371753779.

ClinVar aggregate classification (germline): Uncertain significance (1 of 4 stars; one submission).

Conditions:
Isolated microphthalmia 4. Identifiers: Orphanet 2542, MedGen C2751307, MONDO:0013130, OMIM 613094.
Microphthalmia, isolated, with coloboma 6 (MCOPCB6). Also called: MICROPHTHALMIA/COLOBOMA 6; Microphthalmia with coloboma 6; Microphthalmia with coloboma 6, digenic. Identifiers: Orphanet 98938, MedGen C3150968, MONDO:0013376, OMIM 613703.
Klippel-Feil syndrome 1, autosomal dominant (KFS1). Also called: CERVICAL VERTEBRAL FUSION, AUTOSOMAL DOMINANT. Identifiers: Orphanet 2345, MedGen C1861689, MONDO:0007306, OMIM 118100.
Leber congenital amaurosis 17 (LCA17). Identifiers: Orphanet 65, MedGen C3715164, MONDO:0014145, OMIM 615360.

Allele frequency attached by ClinVar (database versions not stated): gnomAD exomes below 0.00001.
gnomAD v4.1: 1 of 1,613,088 alleles (0.000062%); highest among the groups gnomAD compares: Non-Finnish European, 0.000085%; no homozygotes.

Submission:

Labcorp Genetics (formerly Invitae), Labcorp
Classification: Uncertain significance for Isolated microphthalmia 4; Leber congenital amaurosis 17; Klippel-Feil syndrome 1, autosomal dominant; Microphthalmia, isolated, with coloboma 6. Last evaluated: 2022-03-28. Review status: criteria provided, single submitter. Criteria: Invitae Variant Classification Sherloc (09022015). Collection method: clinical testing. Allele origin: germline.
Comment: In summary, the available evidence is currently insufficient to determine the role of this variant in disease. Therefore, it has been classified as a Variant of Uncertain Significance. Algorithms developed to predict the effect of missense changes on protein structure and function are either unavailable or do not agree on the potential impact of this missense change (SIFT: "Deleterious"; PolyPhen-2: "Possibly Damaging"; Align-GVGD: "Class C0"). This variant has not been reported in the literature in individuals affected with GDF6-related conditions. This variant is not present in population databases (gnomAD no frequency). This sequence change replaces arginine, which is basic and polar, with tryptophan, which is neutral and slightly polar, at codon 62 of the GDF6 protein (p.Arg62Trp).